The following is an entry in ClinVar:

ClinVar aggregate classification (germline): Pathogenic. Review status: criteria provided, multiple submitters, no conflicts (2 of 4 stars). 17 submissions from 17 submitters: Pathogenic (16). 1 of the submissions does not count toward it. Last evaluated 2026-01-19.
ClinVar aggregate classification (oncogenicity): Oncogenic (1 of 4 stars; one submission).

Conditions:
Hepatocellular carcinoma (HCC). Also called: Primary carcinoma of liver; HEPATOMA; LIVER CELL CARCINOMA. Identifiers: Orphanet 88673, MedGen C2239176, MONDO:0007256, OMIM 114550, HP:0001402.
Familial adenomatous polyposis 1 (FAP1). Also called: FAMILIAL ADENOMATOUS POLYPOSIS 1, ATTENUATED; POLYPOSIS, ADENOMATOUS INTESTINAL. Identifiers: MedGen C2713442, MONDO:0021056, OMIM 175100. Disease mechanism: loss of function.
Colorectal cancer. Also called: Malignant Colorectal Neoplasm; Colorectal cancer, somatic. Identifiers: MedGen C0346629, MONDO:0005575, OMIM 114500.
Gastric cancer. Also called: Stomach cancer; Malignant tumor of stomach. Identifiers: MedGen C0024623, MeSH D013274, MONDO:0001056, OMIM 613659, HP:0012126.
Desmoid disease, hereditary (DESMD). Also called: FIBROMATOSIS, FAMILIAL INFILTRATIVE. Identifiers: Orphanet 873, MedGen C1851124, OMIM 135290. Disease mechanism: loss of function.
Gastric adenocarcinoma and proximal polyposis of the stomach (GAPPS). Also called: POLYPOSIS, GASTRIC; Polyposis, gastric, Dos Santos and de Magalhaes 1980; Gastric Adenocarcinoma and Proximal Polyposis of the Stomach (GAPPS). Identifiers: Orphanet 314022, MedGen C4749917, MONDO:0017790, OMIM 619182.
APC associated polyposis.
Classic or attenuated familial adenomatous polyposis. Identifiers: MedGen CN372698, MONDO:0021057.
Carcinoma of colon (CRC). Also called: Colon carcinoma; Colonic carcinoma. Identifiers: MedGen C0699790, MONDO:0002032.
Neoplasm of stomach. Also called: Stomach Neoplasms; Neoplasm of the stomach; Gastric neoplasm. Identifiers: MedGen C0038356, MONDO:0021085, HP:0006753. Disease mechanism: gain of function. Inheritance: Somatic mutation.
Hereditary cancer-predisposing syndrome. Also called: Tumor predisposition; Hereditary neoplastic syndrome; Neoplastic Syndromes, Hereditary; Hereditary Cancer Syndrome. Identifiers: Orphanet 140162, MedGen C0027672, MeSH D009386, MONDO:0015356.
Familial multiple polyposis syndrome (FAP). Also called: Familial polyposis; Classic familial adenomatous polyposis; Familial adenomatous polyposis; Familial intestinal polyposis; Familial Adenomatous Polyposis (FAP). Identifiers: Orphanet 733, MedGen C0032580, MONDO:0021055. Disease mechanism: loss of function.
Neoplasm. Also called: Neoplasms; Neoplasm (disease); tumor. Identifiers: MedGen C0027651, MeSH D009369, MONDO:0005070, HP:0002664.

Allele frequency attached by ClinVar (database versions not stated): gnomAD exomes below 0.00001; TOPMed below 0.00001; gnomAD 0.00001.

Submissions 1 to 9 of 18:

Clinical Genetics Laboratory, Skane University Hospital Lund
Classification: Pathogenic for Familial adenomatous polyposis 1. Last evaluated: 2026-01-19. Review status: criteria provided, single submitter. Criteria: ACMG Guidelines, 2015. Collection method: clinical testing. Allele origin: germline. Inheritance: Autosomal dominant inheritance. Affected: yes.
Comment: ACMG-criteria: PVS1, PS4_moderate, PM2_supporting

Labcorp Genetics (formerly Invitae), Labcorp
Classification: Pathogenic for Familial adenomatous polyposis 1. Last evaluated: 2025-11-03. Review status: criteria provided, single submitter. Criteria: Invitae Variant Classification Sherloc (09022015). Collection method: clinical testing. Allele origin: germline.
Comment: This sequence change creates a premature translational stop signal (p.Arg216*) in the APC gene. It is expected to result in an absent or disrupted protein product. Loss-of-function variants in APC are known to be pathogenic (PMID: 17963004, 20685668). The frequency data for this variant in the population databases is considered unreliable, as metrics indicate poor data quality at this position in the gnomAD database. This premature translational stop signal has been observed in individual(s) with familial adenomatous polyposis (FAP) (PMID: 10470088, 15108286, 16088911, 17411426, 19531215, 20685668, 23159591, 26446593). ClinVar contains an entry for this variant (Variation ID: 127312). For these reasons, this variant has been classified as Pathogenic.

Quest Diagnostics Nichols Institute San Juan Capistrano
Classification: Pathogenic. Last evaluated: 2025-08-14. Review status: criteria provided, single submitter. Criteria: Quest Diagnostics criteria. Collection method: clinical testing. Allele origin: unknown.
Comment: The APC c.646C>T (p.Arg216*) variant causes the premature termination of APC protein synthesis. This variant has been reported in the published literature in individuals affected with familial adenomatous polyposis (PMIDs: 19531215 (2009), 17411426 (2007), 16088911 (2005), 10470088 (1999), 8187091 (1994)). The frequency of this variant in the general population (Genome Aggregation Database) is consistent with pathogenicity. Based on the available information, this variant is classified as pathogenic.

Center for Genomic Medicine, Rigshospitalet, Copenhagen University Hospital
Classification: Oncogenic for Neoplasm. Last evaluated: 2025-03-04. Review status: criteria provided, single submitter. Criteria: ClinGen/CGC/VICC Guidelines for Oncogenicity, 2022. Collection method: clinical testing. Allele origin: somatic. Affected: yes.

Molecular Pathology, Peter Maccallum Cancer Centre
Classification: Pathogenic for Familial adenomatous polyposis 1. Last evaluated: 2025-03-04. Review status: criteria provided, single submitter. Criteria: ACMG Guidelines, 2015. Collection method: clinical testing. Allele origin: germline. Inheritance: Autosomal dominant inheritance.

Cambridge Genomics Laboratory, East Genomic Laboratory Hub, NHS Genomic Medicine Service
Classification: Pathogenic for APC associated polyposis. Last evaluated: 2025-02-26. Review status: criteria provided, single submitter. Criteria: ACGS Best Practice Guidelines for Variant Classification in Rare Disease 2020. Collection method: clinical testing. Allele origin: germline. Affected: yes.
Comment: PVS1,PS4,PM2_Supporting

Ambry Genetics
Classification: Pathogenic for Hereditary cancer-predisposing syndrome. Last evaluated: 2025-01-25. Review status: criteria provided, single submitter. Criteria: Ambry Variant Classification Scheme 2023. Collection method: clinical testing. Allele origin: germline.
Comment: The p.R216* pathogenic mutation (also known as c.646C>T), located in coding exon 6 of the APC gene, results from a C to T substitution at nucleotide position 646. This changes the amino acid from an arginine to a stop codon within coding exon 6. This mutation has been identified in numerous FAP patients/families of multiple different ethnicities (Miyaki M et al. Cancer Res. 1994 Jun;54:3011-20; Won YJ et al. J. Hum. Genet., 1999;44:103-8; Friedl W et al. Hered Cancer Clin Pract, 2005 Sep;3:95-114; Kim DW et al. Hum. Mutat. 2005 Sep;26:281; Stekrova J et al. BMC Med. Genet., 2007 Apr;8:16; Kanter-Smoler G et al. BMC Med, 2008 Apr;6:10; Plawski A et al. J. Appl. Genet., 2008;49:407-14; G&oacute;mez-Fern&aacute;ndez N et al. BMC Med. Genet., 2009 Jun;10:57; Lagarde A et al. J. Med. Genet. 2010 Oct;47:721-2; Rivera B et al. Ann. Oncol. 2011 Apr;22:903-9; Kerr SE et al. J Mol Diagn, 2013 Jan;15:31-43; Papp J et al. Fam. Cancer. 2016 Jan;15:85-97). In addition to the clinical data presented in the literature, this alteration is expected to result in loss of function by premature protein truncation or nonsense-mediated mRNA decay. As such, this alteration is interpreted as a disease-causing mutation.

Foundation for Research in Genetics and Endocrinology, FRIGE's Institute of Human Genetics
Classification: Pathogenic for Familial adenomatous polyposis 1. Last evaluated: 2024-09-04. Review status: criteria provided, single submitter. Criteria: ACMG Guidelines, 2015. Collection method: clinical testing. Allele origin: germline. Inheritance: Autosomal dominant inheritance. Affected: yes. Observed: 1 heterozygote.
Comment: A heterozygous splice-site proximal nonsense variation in exon 7 of the APC gene that results in a stop codon and premature truncation of the protein at codon 216 was detected. The observed variation has previously been reported in individual(s) with familial adenomatous polyposis (FAP) [PMID: 16088911, 17411426, 19531215, 23159591, 26446593]. It is documented as pathogenic in familial adenomatous polyposis 1 in the ClinVar database [VCV000127312.22]. The p.Arg216Ter variant has not been reported in the 1000 genomes database and has a minor allele frequency of 0.0006% and 0.0004% in the gnomAD V3.0 and gnomAD V2.1 database, respectively. The in silico prediction of the variant is damaging by Mutation Taster2 tool. The reference codon is conserved across mammals. In summary, the variant meets our criteria to be classified as pathogenic.

CeGaT Center for Human Genetics Tuebingen
Classification: Pathogenic. Last evaluated: 2024-09-01. Review status: criteria provided, single submitter. Criteria: CeGaT Center For Human Genetics Tuebingen Variant Classification Criteria Version 2. Collection method: clinical testing. Allele origin: germline. Affected: yes. Observed: 1 variant allele.
Comment: APC: PVS1, PM2, PS4:Moderate

NM_000038.6(APC):c.646C>T (p.Arg216Ter)

Gene: APC (APC regulator of Wnt signaling pathway; plus strand). Cytogenetic location: 5q22.2.
Variant type: single nucleotide variant.
Coding change: c.646C>T on transcript NM_000038.6 (MANE Select); coding-DNA position 646, C replaced by T.
Protein change: p.Arg216Ter; replaces arginine 216 with a stop codon.
Molecular consequence: nonsense. On other transcripts: 5 prime UTR variant (1), intron variant (2).
Genome position (GRCh38, 1-based): chr5:112,792,446, C>T. VCF-style: chr5-112792446-C-T. GRCh37 (hg19) VCF-style: chr5-112128143-C-T.
Other names: p.R216*:CGA>TGA; p.Arg216Ter; c.646C>T, p.Arg216Ter (NM_001127510.3, NM_001354895.2, NM_001354896.2 and 1 more transcripts); c.676C>T, p.Arg226Ter (NM_001354897.2, NM_001354902.2); c.571C>T, p.Arg191Ter (NM_001354898.2, NM_001354904.2); c.469C>T, p.Arg157Ter (NM_001354900.2, NM_001354901.2, NM_001354905.2); c.-390C>T (NM_001354906.2); c.676-8833C>T (NM_001127511.3); and 1 more; short protein forms R216*, R226*, R157*, R191*.
Identifiers: ClinVar variation 127312 (VCV000127312.54), dbSNP rs62619935, ClinGen allele CA012198.